The following is an entry in ClinVar:

NM_001378183.1(PIEZO2):c.6614del (p.Thr2205fs)

Gene: PIEZO2 (piezo type mechanosensitive ion channel component 2; minus strand). Cytogenetic location: 18p11.22.
Variant type: Deletion.
Coding change: c.6614del on transcript NM_001378183.1 (MANE Select); coding-DNA position 6614, one base deleted (C; older notation c.6614delC).
Protein change: p.Thr2205fs; shifts the reading frame from threonine 2205.
Molecular consequence: frameshift variant.
Genome position (GRCh38, 1-based): chr18:10,699,005, G deleted on the plus strand (C on the coding strand, the reverse complement: PIEZO2 is on the minus strand). VCF-style (leftmost placement, unchanged base first): chr18-10699004-TG-T. GRCh37 (hg19) VCF-style: chr18-10699002-TG-T.
Other names: c.6275del, p.Thr2092fs (NM_022068.4); short protein forms T2205fs, T2092fs.
Identifiers: ClinVar variation 1033996 (VCV001033996.4), dbSNP rs2035219369, ClinGen allele CA2284422296.

ClinVar aggregate classification (germline): Pathogenic. Review status: criteria provided, multiple submitters, no conflicts (2 of 4 stars). 2 submissions from 2 submitters: Pathogenic (2). Last evaluated 2022-12-15.

Conditions:
Gordon syndrome (DA3). Also called: ARTHROGRYPOSIS MULTIPLEX CONGENITA, DISTAL, TYPE IIA; CAMPTODACTYLY, CLEFT PALATE, AND CLUBFOOT; Gordon's syndrome. Identifiers: Orphanet 376, MedGen C0220666, MONDO:0007252, OMIM 114300.

Allele frequency attached by ClinVar (database versions not stated): gnomAD exomes below 0.00001.

Submissions (2):

Labcorp Genetics (formerly Invitae), Labcorp
Classification: Pathogenic. Last evaluated: 2022-12-15. Review status: criteria provided, single submitter. Criteria: Invitae Variant Classification Sherloc (09022015). Collection method: clinical testing. Allele origin: germline.
Comment: This sequence change creates a premature translational stop signal (p.Thr2092Lysfs*43) in the PIEZO2 gene. It is expected to result in an absent or disrupted protein product. Loss-of-function variants in PIEZO2 are known to be pathogenic (PMID: 27653382, 27843126). This variant is not present in population databases (gnomAD no frequency). This variant has not been reported in the literature in individuals affected with PIEZO2-related conditions. ClinVar contains an entry for this variant (Variation ID: 1033996). For these reasons, this variant has been classified as Pathogenic.

Baylor Genetics
Classification: Pathogenic for Gordon syndrome. Last evaluated: 2018-07-09. Review status: criteria provided, single submitter. Criteria: ACMG Guidelines, 2015. Collection method: clinical testing. Allele origin: maternal. Affected: yes.
Comment: This variant was determined to be pathogenic according to ACMG Guidelines, 2015 [PMID:25741868].

Literature cited by the submitters: PubMed 27653382 (cited by Labcorp Genetics (formerly Invitae), Labcorp); PubMed 27843126 (cited by Labcorp Genetics (formerly Invitae), Labcorp).